The following is an entry in ClinVar:

NM_000501.4(ELN):c.334C>T (p.Leu112Phe)

Gene: ELN (elastin; plus strand). Cytogenetic location: 7q11.23.
Variant type: single nucleotide variant.
Coding change: c.334C>T on transcript NM_000501.4 (MANE Select); coding-DNA position 334, C replaced by T.
Protein change: p.Leu112Phe; replaces leucine 112 with phenylalanine.
Molecular consequence: missense variant.
Genome position (GRCh38, 1-based): chr7:74,042,992, C>T. VCF-style: chr7-74042992-C-T. GRCh37 (hg19) VCF-style: chr7-73457322-C-T.
Other names: c.304C>T, p.Leu102Phe (NM_001081752.3, NM_001278914.2, NM_001278917.2 and 1 more transcripts); c.334C>T, p.Leu112Phe (NM_001081753.3, NM_001081754.3, NM_001081755.3 and 4 more transcripts); c.298C>T, p.Leu100Phe (NM_001278913.2); short protein forms L100F, L102F, L112F.
Identifiers: ClinVar variation 2703323 (VCV002703323.3), dbSNP rs2485139581, ClinGen allele CA367869354.

ClinVar aggregate classification (germline): Uncertain significance (1 of 4 stars; one submission).

Conditions:
Supravalvar aortic stenosis (SVAS). Also called: Supravalvar aortic stenosis, Eisenberg type. Identifiers: Orphanet 3193, MedGen C0003499, MONDO:0008504, OMIM 185500, HP:0004381.

Submission:

Labcorp Genetics (formerly Invitae), Labcorp
Classification: Uncertain significance for Supravalvar aortic stenosis. Last evaluated: 2023-12-14. Review status: criteria provided, single submitter. Criteria: Invitae Variant Classification Sherloc (09022015). Collection method: clinical testing. Allele origin: germline.
Comment: This sequence change replaces leucine, which is neutral and non-polar, with phenylalanine, which is neutral and non-polar, at codon 112 of the ELN protein (p.Leu112Phe). This variant is not present in population databases (gnomAD no frequency). This variant has not been reported in the literature in individuals affected with ELN-related conditions. Advanced modeling of protein sequence and biophysical properties (such as structural, functional, and spatial information, amino acid conservation, physicochemical variation, residue mobility, and thermodynamic stability) performed at Invitae indicates that this missense variant is not expected to disrupt ELN protein function with a negative predictive value of 80%. In summary, the available evidence is currently insufficient to determine the role of this variant in disease. Therefore, it has been classified as a Variant of Uncertain Significance.